The following is an entry in ClinVar:

ClinVar aggregate classification (germline): Uncertain significance (1 of 4 stars; one submission).

gnomAD v4.1: 1 of 1,614,170 alleles (0.000062%); highest among the groups gnomAD compares: Non-Finnish European, 0.000085%; no homozygotes.

Submission:

GeneDx
Classification: Uncertain significance. Last evaluated: 2024-12-01. Review status: criteria provided, single submitter. Criteria: GeneDx Variant Classification Process June 2021. Collection method: clinical testing. Allele origin: germline. Affected: yes.
Comment: Not observed at significant frequency in large population cohorts (gnomAD); In silico analysis supports that this missense variant has a deleterious effect on protein structure/function; Has not been previously published as pathogenic or benign to our knowledge

NM_004818.3(DDX23):c.785G>A (p.Arg262His)

Gene: DDX23 (DEAD-box helicase 23; minus strand). Cytogenetic location: 12q13.12.
Variant type: single nucleotide variant.
Coding change: c.785G>A on transcript NM_004818.3 (MANE Select); coding-DNA position 785, G replaced by A.
Protein change: p.Arg262His; replaces arginine 262 with histidine.
Molecular consequence: missense variant.
Genome position (GRCh38, 1-based): chr12:48,837,362, C>T on the plus strand (G>A on the coding strand, the complement: DDX23 is on the minus strand). VCF-style: chr12-48837362-C-T. GRCh37 (hg19) VCF-style: chr12-49231145-C-T.
Other names: short protein forms R262H.
Identifiers: ClinVar variation 3901598 (VCV003901598.1).